The following is an entry in ClinVar:

NM_001134771.2(SLC12A5):c.33C>T (p.Pro11=)

Genes: SLC12A5 (solute carrier family 12 member 5; plus strand), SLC12A5-AS1 (SLC12A5 and MMP9 antisense RNA 1; minus strand), LOC130065980 (ATAC-STARR-seq lymphoblastoid silent region 12971; plus strand). Cytogenetic location: 20q13.12.
Variant type: single nucleotide variant.
Coding change: c.33C>T on transcript NM_001134771.2; coding-DNA position 33, C replaced by T.
Protein change: p.Pro11=; no amino-acid change (proline 11 retained).
Molecular consequence: synonymous variant. On other transcripts: non-coding transcript variant (1).
Genome position (GRCh38, 1-based): chr20:46,021,798, C>T. VCF-style: chr20-46021798-C-T. GRCh37 (hg19) VCF-style: chr20-44650437-C-T.
Identifiers: ClinVar variation 3389112 (VCV003389112.14).

ClinVar aggregate classification (germline): Likely benign (1 of 4 stars; one submission).

gnomAD v4.1: 72 of 1,533,410 alleles (0.0047%); highest among the groups gnomAD compares: Non-Finnish European, 0.0063%; no homozygotes.

Submission:

CeGaT Center for Human Genetics Tuebingen
Classification: Likely benign. Last evaluated: 2024-09-01. Review status: criteria provided, single submitter. Criteria: CeGaT Center For Human Genetics Tuebingen Variant Classification Criteria Version 2. Collection method: clinical testing. Allele origin: germline. Affected: yes. Observed: 1 variant allele.
Comment: SLC12A5: BP4, BP7